The following is an entry in ClinVar:

NM_000219.6(KCNE1):c.6C>A (p.Ile2=)

Gene: KCNE1 (potassium voltage-gated channel subfamily E regulatory subunit 1; minus strand). Cytogenetic location: 21q22.12.
Variant type: single nucleotide variant.
Coding change: c.6C>A on transcript NM_000219.6 (MANE Select); coding-DNA position 6, C replaced by A.
Protein change: p.Ile2=; no amino-acid change (isoleucine 2 retained).
Molecular consequence: synonymous variant.
Genome position (GRCh38, 1-based): chr21:34,449,629, G>T on the plus strand (C>A on the coding strand, the complement: KCNE1 is on the minus strand). VCF-style: chr21-34449629-G-T. GRCh37 (hg19) VCF-style: chr21-35821927-G-T.
Other names: c.6C>A, p.Ile2= (NM_001127668.4, NM_001127669.4, NM_001127670.4 and 4 more transcripts).
Identifiers: ClinVar variation 3373922 (VCV003373922.2).

Conditions:
Long QT syndrome 5 (LQT5). Identifiers: Orphanet 101016, Orphanet 768, MedGen C1867904, MONDO:0013372, OMIM 613695.

Submission:

Roden Lab, Vanderbilt University Medical Center
No classification provided (evidence only). Condition: Long QT syndrome 5. Review status: no classification provided. Collection method: in vitro. Allele origin: not applicable. Functional consequence: Effect on ion channel function.
ClinVar note: "not provided" was previously submitted as the classification for the variant. However, the classification appeared to be based only on an observation of functional data so it was converted to no classification on 2025-07-30.